The following is an entry in ClinVar:

NM_000203.5(IDUA):c.1009_1010del (p.Thr337fs)

Gene: IDUA (alpha-L-iduronidase; plus strand). Cytogenetic location: 4p16.3.
Variant type: Microsatellite.
Coding change: c.1009_1010del on transcript NM_000203.5 (MANE Select); coding-DNA positions 1009 to 1010, 2 bases deleted (AC; older notation c.1009_1010delAC).
Protein change: p.Thr337fs; shifts the reading frame from threonine 337.
Molecular consequence: frameshift variant. On other transcripts: non-coding transcript variant (1).
Genome position (GRCh38, 1-based): chr4:1,002,305-1,002,306, AC deleted; deleting any 2 consecutive bases within chr4:1,002,303-1,002,306 gives the same sequence; the c. name uses the placement nearest the transcript's 3' end. VCF-style (leftmost placement, unchanged base first): chr4-1002302-AAC-A. GRCh37 (hg19) VCF-style: chr4-996090-AAC-A.
Other names: c.613_614del, p.Thr205fs (NM_001363576.1); short protein forms T337fs, T205fs.
Identifiers: ClinVar variation 4712763 (VCV004712763.1).

ClinVar aggregate classification (germline): Pathogenic (1 of 4 stars; one submission).

Conditions:
Mucopolysaccharidosis type 1. Also called: IDUA deficiency; MPS I; Mucopolysaccharidosis Type I. Identifiers: Orphanet 579, MedGen C0023786, MONDO:0001586.

Submission:

Labcorp Genetics (formerly Invitae), Labcorp
Classification: Pathogenic for Mucopolysaccharidosis type 1. Last evaluated: 2025-04-23. Review status: criteria provided, single submitter. Criteria: Invitae Variant Classification Sherloc (09022015). Collection method: clinical testing. Allele origin: germline.
Comment: This sequence change creates a premature translational stop signal (p.Thr337Hisfs*61) in the IDUA gene. It is expected to result in an absent or disrupted protein product. Loss-of-function variants in IDUA are known to be pathogenic (PMID: 11735025, 21480867). This variant is not present in population databases (gnomAD no frequency). This variant has not been reported in the literature in individuals affected with IDUA-related conditions. For these reasons, this variant has been classified as Pathogenic.

Literature cited by the submitters: PubMed 11735025; PubMed 21480867.